The following is an entry in ClinVar:

ClinVar aggregate classification (germline): association (0 of 4 stars; one submission).

Conditions:
Inflammatory bowel disease 1 (IBD1). Also called: Inflammatory bowel disease 1, Crohn disease; INFLAMMATORY BOWEL DISEASE (CROHN DISEASE) 1. Identifiers: MedGen CN260071, MONDO:0009960, OMIM 266600.

Allele frequency attached by ClinVar (database versions not stated): ExAC 0.00006; ESP Exome Variant Server 0.00008; gnomAD exomes 0.00008 and 0.00018; 1000 Genomes Project 30x 0.00016; gnomAD 0.00019; 1000 Genomes Project 0.00020; TOPMed 0.00028.

Submission:

Human Development and Health, University of Southampton
Classification: association for Inflammatory bowel disease 1. Last evaluated: 2016-08-06. Review status: no assertion criteria provided. Collection method: research. Allele origin: inherited. Affected: yes. Study: Southampton Paediatric IBD Study.
Comment: HSPA1L loss of function - Our results indicate that de novo and rare mutations in HSPA1L are associated with IBD and provide insights into the pathogenesis of IBD

Literature cited by the submitters: PubMed 28126021.

NM_005527.4(HSPA1L):c.800C>T (p.Thr267Ile)

Gene: HSPA1L (heat shock protein family A (Hsp70) member 1 like; minus strand). Cytogenetic location: 6p21.33.
Variant type: single nucleotide variant.
Coding change: c.800C>T on transcript NM_005527.4 (MANE Select); coding-DNA position 800, C replaced by T.
Protein change: p.Thr267Ile; replaces threonine 267 with isoleucine.
Molecular consequence: missense variant.
Genome position (GRCh38, 1-based): chr6:31,811,173, G>A on the plus strand (C>T on the coding strand, the complement: HSPA1L is on the minus strand). VCF-style: chr6-31811173-G-A. GRCh37 (hg19) VCF-style: chr6-31778950-G-A.
Other names: short protein forms T267I.
Identifiers: ClinVar variation 372133 (VCV000372133.4), dbSNP rs139868987, ClinGen allele CA3724008.